The following is an entry in ClinVar:

ClinVar aggregate classification (germline): Pathogenic (0 of 4 stars; one submission).

Submission:

GenMed Metabolism Lab
Classification: Pathogenic. Review status: no assertion criteria provided. Collection method: not provided. Allele origin: unknown.
Comment: p.Tyr345Cys, Neonatal
ClinVar note: Converted during submission from pathogenic to Pathogenic.

NM_000531.6(OTC):c.1034A>G (p.Tyr345Cys)

Gene: OTC (ornithine transcarbamylase; plus strand). Cytogenetic location: Xp11.4.
Variant type: single nucleotide variant.
Coding change: c.1034A>G on transcript NM_000531.6 (MANE Select); coding-DNA position 1034, A replaced by G.
Protein change: p.Tyr345Cys; replaces tyrosine 345 with cysteine.
Molecular consequence: missense variant.
Genome position (GRCh38, 1-based): chrX:38,421,051, A>G. VCF-style: chrX-38421051-A-G. GRCh37 (hg19) VCF-style: chrX-38280304-A-G.
Other names: short protein forms Y345C.
Identifiers: ClinVar variation 97101 (VCV000097101.2), dbSNP rs72558492, ClinGen allele CA224445.
Genomic context (GRCh38, chrX:38,421,051, plus strand): 5'-TCCATTTCTTTCTTTCTTTGTTGTGTCATCAGGCTGTCATGGTGTCCCTGCTGACAGATT[A>G]CTCACCTCAGCTCCAGAAGCCTAAATTTTGATGTTGTGTTACTTGTCAAGAAAGAAGCAA-3'
Protein context (NP_000522.3, residues 335-354): MAVMVSLLTD[Tyr345Cys]SPQLQKPKF